The following is an entry in ClinVar:

NM_198904.4(GABRG2):c.1029C>A (p.Phe343Leu)

Gene: GABRG2 (gamma-aminobutyric acid type A receptor subunit gamma2; plus strand). Cytogenetic location: 5q34.
Variant type: single nucleotide variant.
Coding change: c.1029C>A on transcript NM_198904.4 (MANE Select); coding-DNA position 1029, C replaced by A.
Protein change: p.Phe343Leu; replaces phenylalanine 343 with leucine.
Molecular consequence: missense variant. On other transcripts: intron variant (1).
Genome position (GRCh38, 1-based): chr5:162,149,214, C>A. VCF-style: chr5-162149214-C-A. GRCh37 (hg19) VCF-style: chr5-161576220-C-A.
Other names: c.1029C>A, p.Phe343Leu (NM_000816.3); c.1020C>A, p.Phe340Leu (NM_001375339.1); c.1026C>A, p.Phe342Leu (NM_001375341.1, NM_001375342.1); c.1149C>A, p.Phe383Leu (NM_001375343.1, NM_198903.2); c.1068C>A, p.Phe356Leu (NM_001375344.1); c.963C>A, p.Phe321Leu (NM_001375345.1, NM_001375346.1); c.942C>A, p.Phe314Leu (NM_001375347.1); c.609C>A, p.Phe203Leu (NM_001375348.1, NM_001375350.1); and 2 more; short protein forms F343L, F383L, F203L, F248L, F314L, F321L, F340L, F342L.
Identifiers: ClinVar variation 432901 (VCV000432901.3), dbSNP rs796052511, ClinGen allele CA362182521.

ClinVar aggregate classification (germline): Likely pathogenic (1 of 4 stars; one submission).

Conditions:
GABRG2-related disorder. Also called: GABRG2-related condition.

Submission:

GeneDx
Classification: Likely pathogenic. Last evaluated: 2017-06-22. Review status: criteria provided, single submitter. Criteria: GeneDx Variant Classification (06012015). Collection method: clinical testing. Allele origin: germline. Affected: yes.
Comment: The F343L variant in the GABRG2 gene has not been reported previously as a pathogenic variant, nor as a benign variant, to our knowledge. The F343L variant is not observed in large population cohorts (Lek et al., 2016; 1000 Genomes Consortium et al., 2015; Exome Variant Server). The F343L variant is a conservative amino acid substitution, which is not likely to impact secondary protein structure as these residues share similar properties. This substitution occurs at a position that is conserved across species. In silico analysis predicts this variant is probably damaging to the protein structure/function. We interpret F343L as a likely pathogenic variant.